The following is an entry in ClinVar:

ClinVar aggregate classification (germline): Uncertain significance (1 of 4 stars; one submission).

gnomAD v4.1: 6 of 1,542,398 alleles (0.00039%); highest among the groups gnomAD compares: Admixed American, 0.002%; no homozygotes.

Submission:

Labcorp Genetics (formerly Invitae), Labcorp
Classification: Uncertain significance. Last evaluated: 2024-10-27. Review status: criteria provided, single submitter. Criteria: Invitae Variant Classification Sherloc (09022015). Collection method: clinical testing. Allele origin: germline.
Comment: This sequence change replaces glutamine, which is neutral and polar, with arginine, which is basic and polar, at codon 471 of the PACS2 protein (p.Gln471Arg). The frequency data for this variant in the population databases is considered unreliable, as metrics indicate poor data quality at this position in the gnomAD database. This variant has not been reported in the literature in individuals affected with PACS2-related conditions. An algorithm developed to predict the effect of missense changes on protein structure and function (PolyPhen-2) suggests that this variant is likely to be disruptive. Algorithms developed to predict the effect of sequence changes on RNA splicing suggest that this variant may disrupt the consensus splice site. In summary, the available evidence is currently insufficient to determine the role of this variant in disease. Therefore, it has been classified as a Variant of Uncertain Significance.

NM_001100913.3(PACS2):c.1412A>G (p.Gln471Arg)

Gene: PACS2 (phosphofurin acidic cluster sorting protein 2; plus strand). Cytogenetic location: 14q32.33.
Variant type: single nucleotide variant.
Coding change: c.1412A>G on transcript NM_001100913.3 (MANE Select); coding-DNA position 1412, A replaced by G.
Protein change: p.Gln471Arg; replaces glutamine 471 with arginine.
Molecular consequence: missense variant. On other transcripts: intron variant (2).
Genome position (GRCh38, 1-based): chr14:105,382,057, A>G. VCF-style: chr14-105382057-A-G. GRCh37 (hg19) VCF-style: chr14-105848394-A-G.
Other names: c.1176+11A>G (NM_001243127.3); c.1401+11A>G (NM_015197.4); short protein forms Q471R.
Identifiers: ClinVar variation 3625179 (VCV003625179.2).